The following is an entry in ClinVar:

ClinVar aggregate classification (germline): Uncertain significance (1 of 4 stars; one submission).

Submission:

Labcorp Genetics (formerly Invitae), Labcorp
Classification: Uncertain significance. Last evaluated: 2023-06-06. Review status: criteria provided, single submitter. Criteria: Invitae Variant Classification Sherloc (09022015). Collection method: clinical testing. Allele origin: germline.
Comment: In summary, the available evidence is currently insufficient to determine the role of this variant in disease. Therefore, it has been classified as a Variant of Uncertain Significance. Advanced modeling of protein sequence and biophysical properties (such as structural, functional, and spatial information, amino acid conservation, physicochemical variation, residue mobility, and thermodynamic stability) performed at Invitae indicates that this missense variant is not expected to disrupt SZT2 protein function. This variant has not been reported in the literature in individuals affected with SZT2-related conditions. This variant is not present in population databases (gnomAD no frequency). This sequence change replaces glycine, which is neutral and non-polar, with aspartic acid, which is acidic and polar, at codon 1049 of the SZT2 protein (p.Gly1049Asp).

NM_001365999.1(SZT2):c.3317G>A (p.Gly1106Asp)

Gene: SZT2 (SZT2 subunit of KICSTOR complex; plus strand). Cytogenetic location: 1p34.2.
Variant type: single nucleotide variant.
Coding change: c.3317G>A on transcript NM_001365999.1 (MANE Select); coding-DNA position 3317, G replaced by A.
Protein change: p.Gly1106Asp; replaces glycine 1106 with aspartic acid.
Molecular consequence: missense variant.
Genome position (GRCh38, 1-based): chr1:43,427,063, G>A. VCF-style: chr1-43427063-G-A. GRCh37 (hg19) VCF-style: chr1-43892734-G-A.
Other names: c.3146G>A, p.Gly1049Asp (NM_015284.4); short protein forms G1106D, G1049D.
Identifiers: ClinVar variation 2696700 (VCV002696700.3), dbSNP rs2545818807, ClinGen allele CA340017043.
Genomic context (GRCh38, chr1:43,427,063, plus strand): 5'-AGGGGTTGGACATTCCCTTATAGATTGCTCTAATTTCTGTTTTTCTCTTACAGAGTGTAG[G>A]TCTTCCTGAAACTCTCAAGCCTCTCATCTCTGCCCAGCCCCCTCAGTGGCGCTGCTATGC-3'
Protein context (NP_001352928.1, residues 1096-1116): GDSAFTSLSV[Gly1106Asp]LPETLKPLIS